The following is an entry in ClinVar:

NM_000836.4(GRIN2D):c.199G>A (p.Ala67Thr)

Genes: GRIN2D (glutamate ionotropic receptor NMDA type subunit 2D; plus strand), LOC130064855 (ATAC-STARR-seq lymphoblastoid silent region 10879; plus strand). Cytogenetic location: 19q13.33.
Variant type: single nucleotide variant.
Coding change: c.199G>A on transcript NM_000836.4 (MANE Select); coding-DNA position 199, G replaced by A.
Protein change: p.Ala67Thr; replaces alanine 67 with threonine.
Molecular consequence: missense variant.
Genome position (GRCh38, 1-based): chr19:48,398,591, G>A. VCF-style: chr19-48398591-G-A. GRCh37 (hg19) VCF-style: chr19-48901848-G-A.
Other names: short protein forms A67T.
Identifiers: ClinVar variation 1676796 (VCV001676796.3), dbSNP rs2147434362, ClinGen allele CA406688486.

ClinVar aggregate classification (germline): Likely benign. Review status: criteria provided, multiple submitters, no conflicts (2 of 4 stars). 2 submissions from 2 submitters: Likely benign (2). Last evaluated 2022-02-01.

Conditions:
Developmental and epileptic encephalopathy, 46 (DEE46). Also called: GRIN2D-Related Developmental and Epileptic Encephalopathy; Epileptic encephalopathy, early infantile, 46. Identifiers: MedGen C4310687, MONDO:0014947, OMIM 617162.

Submissions (2):

Centre of Medical Genetics, University Hospital Muenster
Classification: Likely benign for Developmental and epileptic encephalopathy, 46. Last evaluated: 2022-02-01. Review status: criteria provided, single submitter. Criteria: ACMG Guidelines, 2015. Collection method: clinical testing. Allele origin: germline. Affected: yes. Observed: 1 variant allele, 1 heterozygote.
Comment: ACMG categories: BS2,BP4

Blueprint Genetics
Classification: Likely benign. Last evaluated: 2019-07-16. Review status: criteria provided, single submitter. Criteria: ACMG Guidelines, 2015. Collection method: clinical testing. Allele origin: germline.